The following is an entry in ClinVar:

NM_181552.4(CUX1):c.164C>T (p.Pro55Leu)

Gene: CUX1 (cut like homeobox 1; plus strand). Cytogenetic location: 7q22.1.
Variant type: single nucleotide variant.
Coding change: c.164C>T on transcript NM_181552.4 (MANE Select); coding-DNA position 164, C replaced by T.
Protein change: p.Pro55Leu; replaces proline 55 with leucine.
Molecular consequence: missense variant. On other transcripts: intron variant (1).
Genome position (GRCh38, 1-based): chr7:102,028,120, C>T. VCF-style: chr7-102028120-C-T. GRCh37 (hg19) VCF-style: chr7-101671400-C-T.
Other names: c.197C>T, p.Pro66Leu (NM_001202543.2, NM_001202545.3, NM_001913.5 and 1 more transcripts); c.86C>T, p.Pro29Leu (NM_001202546.3); c.175-42219C>T (NM_001202544.3); short protein forms P29L, P55L, P66L.
Identifiers: ClinVar variation 3371216 (VCV003371216.1).

ClinVar aggregate classification (germline): Uncertain significance (1 of 4 stars; one submission).

gnomAD v4.1: 4 of 1,612,328 alleles (0.00025%); highest among the groups gnomAD compares: African/African-American, 0.0013%; no homozygotes.

Submission:

GeneDx
Classification: Uncertain significance. Last evaluated: 2024-03-22. Review status: criteria provided, single submitter. Criteria: GeneDx Variant Classification Process June 2021. Collection method: clinical testing. Allele origin: germline. Affected: yes.
Comment: Not observed at significant frequency in large population cohorts (gnomAD); In silico analysis supports that this missense variant has a deleterious effect on protein structure/function; Has not been previously published as pathogenic or benign to our knowledge